The following is an entry in ClinVar:

NM_000384.3(APOB):c.12908del (p.Leu4303fs)

Gene: APOB (apolipoprotein B; minus strand). Cytogenetic location: 2p24.1.
Variant type: Deletion.
Coding change: c.12908del on transcript NM_000384.3 (MANE Select); coding-DNA position 12908, one base deleted (T; older notation c.12908delT).
Protein change: p.Leu4303fs; shifts the reading frame from leucine 4303.
Molecular consequence: frameshift variant.
Genome position (GRCh38, 1-based): chr2:21,002,514, A deleted on the plus strand (T on the coding strand, the reverse complement: APOB is on the minus strand); the first of 4 consecutive A bases (chr2:21,002,514-21,002,517); deleting any one gives the same sequence. VCF-style (leftmost placement, unchanged base first): chr2-21002513-TA-T. GRCh37 (hg19) VCF-style: chr2-21225385-TA-T.
Other names: short protein forms L4303fs.
Identifiers: ClinVar variation 4794185 (VCV004794185.1).

ClinVar aggregate classification (germline): Uncertain significance (1 of 4 stars; one submission).

Conditions:
Familial hypobetalipoproteinemia 1. Also called: Hypobetalipoproteinemia, normotriglyceridemic; Acanthocytosis with hypobetalipoproteinemia; APOB-Related Familial Hypobetalipoproteinemia. Identifiers: MedGen C4551990, MONDO:0014252, OMIM 615558.
Hypercholesterolemia, autosomal dominant, type B (FHCL2). Also called: Familial Hypercholesterolemia Type B; APOLIPOPROTEIN B-100, FAMILIAL DEFECTIVE; APOLIPOPROTEIN B-100, FAMILIAL LIGAND-DEFECTIVE; HYPERCHOLESTEROLEMIA, FAMILIAL, DUE TO LIGAND-DEFECTIVE APOLIPOPROTEIN B; APOB-Related Familial Hypercholesterolemia, Autosomal Dominant; Hyperlipoproteinemia Type IIb. Identifiers: MedGen C1704417, MONDO:0007751, OMIM 144010.

Submission:

Labcorp Genetics (formerly Invitae), Labcorp
Classification: Uncertain significance for Familial hypobetalipoproteinemia 1; Hypercholesterolemia, autosomal dominant, type B. Last evaluated: 2025-02-26. Review status: criteria provided, single submitter. Criteria: Invitae Variant Classification Sherloc (09022015). Collection method: clinical testing. Allele origin: germline.
Comment: This sequence change creates a premature translational stop signal (p.Leu4303Tyrfs*7) in the APOB gene. While this is not anticipated to result in nonsense mediated decay, it is expected to disrupt the last 261 amino acid(s) of the APOB protein. This variant is not present in population databases (gnomAD no frequency). This variant has not been reported in the literature in individuals affected with APOB-related conditions. This variant disrupts a region of the APOB protein in which other variant(s) (p.Tyr4380*) have been observed in individuals with APOB-related conditions (internal data). This suggests that this is a clinically significant region of the protein, and that variants that disrupt it are likely to be disease-causing. In summary, the available evidence is currently insufficient to determine the role of this variant in disease. Therefore, it has been classified as a Variant of Uncertain Significance.